The following is an entry in ClinVar:

NM_198578.4(LRRK2):c.217A>G (p.Arg73Gly)

Gene: LRRK2 (leucine rich repeat kinase 2; plus strand). Cytogenetic location: 12q12.
Variant type: single nucleotide variant.
Coding change: c.217A>G on transcript NM_198578.4 (MANE Select); coding-DNA position 217, A replaced by G.
Protein change: p.Arg73Gly; replaces arginine 73 with glycine.
Molecular consequence: missense variant.
Genome position (GRCh38, 1-based): chr12:40,225,620, A>G. VCF-style: chr12-40225620-A-G. GRCh37 (hg19) VCF-style: chr12-40619422-A-G.
Other names: short protein forms R73G.
Identifiers: ClinVar variation 1787234 (VCV001787234.3), dbSNP rs887954350, ClinGen allele CA235343948.

ClinVar aggregate classification (germline): Uncertain significance (1 of 4 stars; one submission).

Conditions:
Inborn genetic diseases. Identifiers: MedGen C0950123, MeSH D030342.

Allele frequency attached by ClinVar (database versions not stated): gnomAD exomes below 0.00001; gnomAD 0.00001; TOPMed 0.00002.
gnomAD v4.1: 4 of 1,613,804 alleles (0.00025%); highest among the groups gnomAD compares: African/African-American, 0.004%; no homozygotes.

Submission:

Ambry Genetics
Classification: Uncertain significance for Inborn genetic diseases. Last evaluated: 2024-10-23. Review status: criteria provided, single submitter. Criteria: Ambry Variant Classification Scheme 2023. Collection method: clinical testing. Allele origin: germline.
Comment: The p.R73G variant (also known as c.217A>G), located in coding exon 2 of the LRRK2 gene, results from an A to G substitution at nucleotide position 217. The arginine at codon 73 is replaced by glycine, an amino acid with dissimilar properties. This amino acid position is conserved. In addition, the in silico prediction for this alteration is inconclusive. Since supporting evidence is limited at this time, the clinical significance of this alteration remains unclear.